The following is an entry in ClinVar:

NM_206965.2(FTCD):c.251G>A (p.Arg84His)

Gene: FTCD (formimidoyltransferase cyclodeaminase; minus strand). Cytogenetic location: 21q22.3.
Variant type: single nucleotide variant.
Coding change: c.251G>A on transcript NM_206965.2 (MANE Select); coding-DNA position 251, G replaced by A.
Protein change: p.Arg84His; replaces arginine 84 with histidine.
Molecular consequence: missense variant.
Genome position (GRCh38, 1-based): chr21:46,153,023, C>T on the plus strand (G>A on the coding strand, the complement: FTCD is on the minus strand). VCF-style: chr21-46153023-C-T. GRCh37 (hg19) VCF-style: chr21-47572937-C-T.
Other names: c.251G>A, p.Arg84His (NM_001320412.2, NM_006657.3); short protein forms R84H.
Identifiers: ClinVar variation 1449953 (VCV001449953.8), dbSNP rs748347001, ClinGen allele CA10073987.

ClinVar aggregate classification (germline): Uncertain significance (1 of 4 stars; one submission).

Conditions:
Glutamate formiminotransferase deficiency. Also called: Arakawa syndrome 1; Formiminoglutamic aciduria. Identifiers: Orphanet 51208, MedGen C0268609, MONDO:0009240, OMIM 229100.

Allele frequency attached by ClinVar (database versions not stated): gnomAD 0.00001; gnomAD exomes 0.00001 and 0.00004.
gnomAD v4.1: 19 of 1,549,048 alleles (0.0012%); highest among the groups gnomAD compares: Admixed American, 0.012%; no homozygotes.

Submission:

Labcorp Genetics (formerly Invitae), Labcorp
Classification: Uncertain significance for Glutamate formiminotransferase deficiency. Last evaluated: 2021-05-01. Review status: criteria provided, single submitter. Criteria: Invitae Variant Classification Sherloc (09022015). Collection method: clinical testing. Allele origin: germline.
Comment: The frequency data for this variant in the population databases is considered unreliable, as metrics indicate poor data quality at this position in the ExAC database. This sequence change replaces arginine with histidine at codon 84 of the FTCD protein (p.Arg84His). The arginine residue is highly conserved and there is a small physicochemical difference between arginine and histidine. This variant has not been reported in the literature in individuals with FTCD-related conditions. In summary, the available evidence is currently insufficient to determine the role of this variant in disease. Therefore, it has been classified as a Variant of Uncertain Significance. Algorithms developed to predict the effect of missense changes on protein structure and function (SIFT, PolyPhen-2, Align-GVGD) all suggest that this variant is likely to be disruptive, but these predictions have not been confirmed by published functional studies and their clinical significance is uncertain.